The following is an entry in ClinVar:

NM_004366.6(CLCN2):c.*8G>A

Gene: CLCN2 (chloride voltage-gated channel 2; minus strand). Cytogenetic location: 3q27.1.
Variant type: single nucleotide variant.
Coding change: c.*8G>A on transcript NM_004366.6 (MANE Select); 8 bases downstream of the stop codon, G replaced by A.
Molecular consequence: 3 prime UTR variant.
Genome position (GRCh38, 1-based): chr3:184,346,598, C>T on the plus strand (G>A on the coding strand, the complement: CLCN2 is on the minus strand). VCF-style: chr3-184346598-C-T. GRCh37 (hg19) VCF-style: chr3-184064386-C-T.
Other names: c.*8G>A (NM_001171087.3, NM_001171088.3, NM_001171089.3).
Identifiers: ClinVar variation 3057821 (VCV003057821.2), dbSNP rs370458243, ClinGen allele CA2733600.

ClinVar aggregate classification (germline): Likely benign (0 of 4 stars; one submission).

Conditions:
CLCN2-related disorder. Also called: CLCN2-related disorders; CLCN2-related condition.

Allele frequency attached by ClinVar (database versions not stated): TOPMed 0.00014; gnomAD 0.00015; ESP Exome Variant Server 0.00023.
gnomAD v4.1: 367 of 1,613,706 alleles (0.023%); highest among the groups gnomAD compares: Non-Finnish European, 0.028%; no homozygotes.

Submission:

PreventionGenetics, part of Exact Sciences
Classification: Likely benign for CLCN2-related condition. Last evaluated: 2019-03-27. Review status: no assertion criteria provided. Collection method: clinical testing. Allele origin: germline.
Comment: This variant is classified as likely benign based on ACMG/AMP sequence variant interpretation guidelines (Richards et al. 2015 PMID: 25741868, with internal and published modifications).